The following is an entry in ClinVar:

ClinVar aggregate classification (germline): Uncertain significance (1 of 4 stars; one submission).

Conditions:
Autosomal recessive limb-girdle muscular dystrophy type R18 (LGMDR18). Also called: Limb-girdle muscular dystrophy, type 2S; MUSCULAR DYSTROPHY, LIMB-GIRDLE, AUTOSOMAL RECESSIVE 18; Autosomal recessive limb-girdle muscular dystrophy type 2S. Identifiers: Orphanet 369840, MedGen C4517996, MONDO:0014144, OMIM 615356.

Allele frequency attached by ClinVar (database versions not stated): gnomAD 0.00003 and 0.00004; gnomAD exomes 0.00003; TOPMed 0.00003; ExAC 0.00004; ESP Exome Variant Server 0.00008.
gnomAD v4.1: 67 of 1,569,326 alleles (0.0043%); highest among the groups gnomAD compares: Non-Finnish European, 0.0056%; no homozygotes.

Submission:

Labcorp Genetics (formerly Invitae), Labcorp
Classification: Uncertain significance for Autosomal recessive limb-girdle muscular dystrophy type R18. Last evaluated: 2022-06-20. Review status: criteria provided, single submitter. Criteria: Invitae Variant Classification Sherloc (09022015). Collection method: clinical testing. Allele origin: germline.
Comment: This sequence change falls in intron 8 of the TRAPPC11 gene. It does not directly change the encoded amino acid sequence of the TRAPPC11 protein. It affects a nucleotide within the consensus splice site. This variant is present in population databases (rs368922437, gnomAD 0.007%). This variant has not been reported in the literature in individuals affected with TRAPPC11-related conditions. ClinVar contains an entry for this variant (Variation ID: 474368). Variants that disrupt the consensus splice site are a relatively common cause of aberrant splicing (PMID: 17576681, 9536098). Algorithms developed to predict the effect of sequence changes on RNA splicing suggest that this variant is not likely to affect RNA splicing. In summary, the available evidence is currently insufficient to determine the role of this variant in disease. Therefore, it has been classified as a Variant of Uncertain Significance.

Literature cited by the submitters: PubMed 17576681; PubMed 9536098.

NM_021942.6(TRAPPC11):c.832-3C>A

Gene: TRAPPC11 (trafficking protein particle complex subunit 11; plus strand). Cytogenetic location: 4q35.1.
Variant type: single nucleotide variant.
Coding change: c.832-3C>A on transcript NM_021942.6 (MANE Select); 3 bases into the intron before coding-DNA position 832, C replaced by A.
Molecular consequence: intron variant.
Genome position (GRCh38, 1-based): chr4:183,679,350, C>A. VCF-style: chr4-183679350-C-A. GRCh37 (hg19) VCF-style: chr4-184600503-C-A.
Other names: c.832-3C>A (NM_199053.3).
Identifiers: ClinVar variation 474368 (VCV000474368.6), dbSNP rs368922437, ClinGen allele CA3151724.